The following is an entry in ClinVar:

ClinVar aggregate classification (germline): Uncertain significance (1 of 4 stars; one submission).

Submission:

Women's Health and Genetics/Laboratory Corporation of America, LabCorp
Classification: Uncertain significance. Last evaluated: 2025-09-23. Review status: criteria provided, single submitter. Criteria: LabCorp Variant Classification Summary - May 2015. Collection method: clinical testing. Allele origin: germline.
Comment: Variant summary: SCN8A c.1634A>C (p.Gln545Pro) results in a non-conservative amino acid change in the encoded protein sequence. Algorithms developed to predict the effect of missense changes on protein structure and function all suggest that this variant is likely to be disruptive. Several computational tools predict a significant impact on normal splicing: Three predict the variant weakens a 5' donor site. One predict the variant no significant impact on splicing. However, these predictions have yet to be confirmed by functional studies. The variant was absent in 168942 control chromosomes. The available data on variant occurrences in the general population are insufficient to allow any conclusion about variant significance. To our knowledge, no occurrence of c.1634A>C in individuals affected with SCN8A-related conditions and no experimental evidence demonstrating its impact on protein function have been reported. No submitters have cited clinical-significance assessments for this variant to ClinVar. Based on the evidence outlined above, the variant was classified as uncertain significance.

NM_001330260.2(SCN8A):c.1634A>C (p.Gln545Pro)

Gene: SCN8A (sodium voltage-gated channel alpha subunit 8; plus strand). Cytogenetic location: 12q13.13.
Variant type: single nucleotide variant.
Coding change: c.1634A>C on transcript NM_001330260.2 (MANE Select); coding-DNA position 1634, A replaced by C.
Protein change: p.Gln545Pro; replaces glutamine 545 with proline.
Molecular consequence: missense variant.
Genome position (GRCh38, 1-based): chr12:51,706,714, A>C. VCF-style: chr12-51706714-A-C. GRCh37 (hg19) VCF-style: chr12-52100498-A-C.
Other names: c.1634A>C, p.Gln545Pro (NM_001177984.3, NM_001369788.1, NM_014191.4); short protein forms Q545P.
Identifiers: ClinVar variation 4536041 (VCV004536041.1).